The following is an entry in ClinVar:

ClinVar aggregate classification (germline): Likely benign (1 of 4 stars; one submission).

Submission:

GeneDx
Classification: Likely benign. Last evaluated: 2017-04-27. Review status: criteria provided, single submitter. Criteria: GeneDx Variant Classification (06012015). Collection method: clinical testing. Allele origin: germline. Affected: yes.
Comment: This variant is considered likely benign or benign based on one or more of the following criteria: it is a conservative change, it occurs at a poorly conserved position in the protein, it is predicted to be benign by multiple in silico algorithms, and/or has population frequency not consistent with disease.

NM_005051.3(QARS1):c.571-17C>T

Gene: QARS1 (glutaminyl-tRNA synthetase 1; minus strand). Cytogenetic location: 3p21.31.
Variant type: single nucleotide variant.
Coding change: c.571-17C>T on transcript NM_005051.3 (MANE Select); 17 bases into the intron before coding-DNA position 571, C replaced by T.
Molecular consequence: intron variant.
Genome position (GRCh38, 1-based): chr3:49,102,282, G>A on the plus strand (C>T on the coding strand, the complement: QARS1 is on the minus strand). VCF-style: chr3-49102282-G-A. GRCh37 (hg19) VCF-style: chr3-49139715-G-A.
Other names: c.538-17C>T (NM_001272073.2).
Identifiers: ClinVar variation 509265 (VCV000509265.1), dbSNP rs773560133, ClinGen allele CA658796315.